The following is an entry in ClinVar:

NM_001360.3(DHCR7):c.851TCT[1] (p.Phe285del)

Gene: DHCR7 (7-dehydrocholesterol reductase; minus strand). Cytogenetic location: 11q13.4.
Variant type: Microsatellite.
Coding change: c.851TCT[1] on transcript NM_001360.3 (MANE Select); one copy of the 3-base unit TCT starting at c.851; the reference has two copies in a row; one copy, 3 bases deleted.
Protein change: p.Phe285del; deletes phenylalanine 285.
Molecular consequence: inframe deletion. On other transcripts: inframe indel (1).
Genome position (GRCh38, 1-based): chr11:71,437,919-71,437,921, AGA deleted on the plus strand (TCT on the coding strand, the reverse complement: DHCR7 is on the minus strand); deleting any 3 consecutive bases within chr11:71,437,919-71,437,926 gives the same sequence; the position shown is the placement nearest the transcript's 3' end. VCF-style (leftmost placement, unchanged base first): chr11-71437918-CAGA-C. GRCh37 (hg19) VCF-style: chr11-71148964-CAGA-C.
Other names: c.854_856delTCT (NM_001360.2); c.851TCT[1], p.Phe285del (NM_001163817.2); c.849_851CTT[1], p.Phe285del (NM_001360.2); short protein forms F285del.
Identifiers: ClinVar variation 2137190 (VCV002137190.2), dbSNP rs1176886263, ClinGen allele CA600051913.

ClinVar aggregate classification (germline): Conflicting classifications of pathogenicity. Review status: criteria provided, conflicting classifications (1 of 4 stars). 2 submissions from 2 submitters: Likely pathogenic (1); Uncertain significance (1). Last evaluated 2025-10-27.

Conditions:
Smith-Lemli-Opitz syndrome (SLOS). Also called: LETHAL ACRODYSGENITAL SYNDROME; POLYDACTYLY, SEX REVERSAL, RENAL HYPOPLASIA, AND UNILOBAR LUNG; RSH SYNDROME; RUTLEDGE LETHAL MULTIPLE CONGENITAL ANOMALY SYNDROME; 7-Dehydrocholesterol reductase deficiency. Identifiers: Orphanet 818, MedGen C0175694, MONDO:0010035, OMIM 270400.

Submissions (2):

Natera, Inc.
Classification: Likely pathogenic for Smith-Lemli-Opitz syndrome. Last evaluated: 2025-10-27. Review status: criteria provided, single submitter. Criteria: Natera Variant Classification Schema (03/2026). Collection method: clinical testing. Allele origin: germline.
Comment: The c.854_856delTCT variant in DHCR7 is an in-frame deletion predicted to remove phenylalanine at amino acid 285 while preserving the reading frame. This variant is rare in the general population with a frequency below the threshold expected for the associated phenotype(s). This variant has been observed in one or more individuals affected with the associated recessive disease, as either homozygous or compound heterozygous with a second variant (PMID: 22211794). This variant results in a change to the protein length while preserving reading frame, which may disrupt normal protein structure or function. Given the available evidence, this variant is classified as Likely Pathogenic.

Labcorp Genetics (formerly Invitae), Labcorp
Classification: Uncertain significance for Smith-Lemli-Opitz syndrome. Last evaluated: 2022-04-19. Review status: criteria provided, single submitter. Criteria: Invitae Variant Classification Sherloc (09022015). Collection method: clinical testing. Allele origin: germline.
Comment: This variant, c.854_856del, results in the deletion of 1 amino acid(s) of the DHCR7 protein (p.Phe285del), but otherwise preserves the integrity of the reading frame. This variant is present in population databases (no rsID available, gnomAD 0.007%). This variant has been observed in individual(s) with Smith-Lemli-Opitz syndrome (PMID: 22211794). Experimental studies and prediction algorithms are not available or were not evaluated, and the functional significance of this variant is currently unknown. In summary, the available evidence is currently insufficient to determine the role of this variant in disease. Therefore, it has been classified as a Variant of Uncertain Significance.

Literature cited by the submitters: PubMed 22211794 (cited by Natera, Inc. and Labcorp Genetics (formerly Invitae), Labcorp).